The following is an entry in ClinVar:

ClinVar aggregate classification (germline): Uncertain significance (1 of 4 stars; one submission).

Conditions:
Hereditary cancer-predisposing syndrome. Also called: Neoplastic Syndromes, Hereditary; Tumor predisposition; Hereditary neoplastic syndrome; Hereditary Cancer Syndrome. Identifiers: Orphanet 140162, MedGen C0027672, MeSH D009386, MONDO:0015356.

Submission:

Ambry Genetics
Classification: Uncertain significance for Hereditary cancer-predisposing syndrome. Last evaluated: 2022-11-03. Review status: criteria provided, single submitter. Criteria: Ambry Variant Classification Scheme 2023. Collection method: clinical testing. Allele origin: germline.
Comment: The p.K91M variant (also known as c.272A>T), located in coding exon 4 of the PMS2 gene, results from an A to T substitution at nucleotide position 272. The lysine at codon 91 is replaced by methionine, an amino acid with similar properties. This amino acid position is conserved. In addition, this alteration is predicted to be deleterious by in silico analysis. Since supporting evidence is limited at this time, the clinical significance of this alteration remains unclear.

NM_000535.7(PMS2):c.272A>T (p.Lys91Met)

Gene: PMS2 (PMS1 homolog 2, mismatch repair system component; minus strand). Cytogenetic location: 7p22.1.
Variant type: single nucleotide variant.
Coding change: c.272A>T on transcript NM_000535.7 (MANE Select); coding-DNA position 272, A replaced by T.
Protein change: p.Lys91Met; replaces lysine 91 with methionine.
Molecular consequence: missense variant. On other transcripts: 5 prime UTR variant (35), non-coding transcript variant (1), intron variant (11).
Genome position (GRCh38, 1-based): chr7:6,003,771, T>A on the plus strand (A>T on the coding strand, the complement: PMS2 is on the minus strand). VCF-style: chr7-6003771-T-A. GRCh37 (hg19) VCF-style: chr7-6043402-T-A.
Other names: c.-134A>T (NM_001018040.1, NM_001322003.2, NM_001322004.2 and 14 more transcripts); c.272A>T, p.Lys91Met (NM_001322006.2, NM_001322014.2, NM_001406869.1 and 8 more transcripts); c.-613A>T (NM_001322011.2, NM_001322012.2); c.-213A>T (NM_001322015.2, NM_001406875.1, NM_001406877.1 and 3 more transcripts); c.458A>T, p.Lys153Met (NM_001406866.1); c.296A>T, p.Lys99Met (NM_001406868.1); c.-160A>T (NM_001406880.1); c.-81A>T (NM_001406888.1, NM_001406889.1, NM_001406892.1 and 6 more transcripts); and 5 more; short protein forms K91M, K99M, K153M.
Identifiers: ClinVar variation 2451583 (VCV002451583.2), dbSNP rs1583408934, ClinGen allele CA366744688.